The following is an entry in ClinVar:

ClinVar aggregate classification (germline): Pathogenic (1 of 4 stars; one submission).

Conditions:
Neurofibromatosis, type 1 (NF1). Also called: Peripheral type neurofibromatosis; NEUROFIBROMATOSIS, TYPE I, SOMATIC; VON RECKLINGHAUSEN DISEASE; Neurofibromatosis, type I. Identifiers: Orphanet 636, MedGen C0027831, MONDO:0018975, OMIM 162200. Disease mechanism: loss of function.

Submission:

Labcorp Genetics (formerly Invitae), Labcorp
Classification: Pathogenic for Neurofibromatosis, type 1. Last evaluated: 2023-04-22. Review status: criteria provided, single submitter. Criteria: Invitae Variant Classification Sherloc (09022015). Collection method: clinical testing. Allele origin: germline.
Comment: ClinVar contains an entry for this variant (Variation ID: 2099058). For these reasons, this variant has been classified as Pathogenic. This sequence change creates a premature translational stop signal (p.Glu715*) in the NF1 gene. It is expected to result in an absent or disrupted protein product. Loss-of-function variants in NF1 are known to be pathogenic (PMID: 10712197, 23913538). This variant is not present in population databases (gnomAD no frequency). This premature translational stop signal has been observed in individual(s) with neurofibromatosis type 1 (PMID: 31776437).

Literature cited by the submitters: PubMed 10712197; PubMed 23913538; PubMed 31776437.

NM_001042492.3(NF1):c.2143G>T (p.Glu715Ter)

Gene: NF1 (neurofibromin 1; plus strand). Cytogenetic location: 17q11.2.
Variant type: single nucleotide variant.
Coding change: c.2143G>T on transcript NM_001042492.3 (MANE Select); coding-DNA position 2143, G replaced by T.
Protein change: p.Glu715Ter; replaces glutamic acid 715 with a stop codon.
Molecular consequence: nonsense.
Genome position (GRCh38, 1-based): chr17:31,226,576, G>T. VCF-style: chr17-31226576-G-T. GRCh37 (hg19) VCF-style: chr17-29553594-G-T.
Other names: c.2143G>T, p.Glu715Ter (NM_000267.4); short protein forms E715*.
Identifiers: ClinVar variation 2099058 (VCV002099058.4), dbSNP rs1336584572, ClinGen allele CA398982352.